The following is an entry in ClinVar:

ClinVar aggregate classification (germline): Likely pathogenic (1 of 4 stars; one submission).

Conditions:
Fabry disease. Also called: ALPHA-GALACTOSIDASE A DEFICIENCY; ANDERSON-FABRY DISEASE; CERAMIDE TRIHEXOSIDASE DEFICIENCY; GLA DEFICIENCY; HEREDITARY DYSTOPIC LIPIDOSIS; Angiokeratoma corporis diffusum. Identifiers: Orphanet 324, MedGen C0002986, MONDO:0010526, OMIM 301500, HP:0001071. Disease mechanism: Fabry disease is due to inactivating mutations in the X-linked GLA gene resulting in deficiency of the enzyme Alpha Galactosidase-A., loss of function.

Submission:

Genomenon, Inc
Classification: Likely pathogenic for Fabry disease. Last evaluated: 2026-09-08. Review status: criteria provided, single submitter. Criteria: Genomenon Sequence Variant Interpretation Standards - Updated. Collection method: curation. Allele origin: germline. Affected: yes.
Comment: GLA p.Gly271Ala (c.812G>C) is a missense variant that changes the amino acid at codon 271 from Glycine to Alanine. This variant has been observed in at least one proband with clinical features consistent with Fabry disease (PMID:31907047;29305833). Functional or patient cell studies have been reported (PMID:32023956). The presence of pathogenic/likely pathogenic missense variant(s) at the same amino acid position indicates that this residue is likely important for protein function. It is absent or not present at a significant frequency in gnomAD. In silico models predict that this variant is possibly or probably damaging. In conclusion, we classify GLA p.Gly271Ala (c.812G>C) as a likely pathogenic variant.

Literature cited by the submitters: PubMed 31907047; PubMed 29305833; PubMed 32023956.

NM_000169.3(GLA):c.812G>C (p.Gly271Ala)

Genes: GLA (galactosidase alpha; minus strand), RPL36A-HNRNPH2 (RPL36A-HNRNPH2 readthrough; plus strand). Cytogenetic location: Xq22.1.
Variant type: single nucleotide variant.
Coding change: c.812G>C on transcript NM_000169.3 (MANE Select); coding-DNA position 812, G replaced by C.
Protein change: p.Gly271Ala; replaces glycine 271 with alanine.
Molecular consequence: missense variant. On other transcripts: non-coding transcript variant (3), intron variant (2).
Genome position (GRCh38, 1-based): chrX:101,398,557, C>G on the plus strand (G>C on the coding strand, the complement: GLA is on the minus strand). VCF-style: chrX-101398557-C-G. GRCh37 (hg19) VCF-style: chrX-100653545-C-G.
Other names: c.935G>C, p.Gly312Ala (NM_001406747.1); c.812G>C, p.Gly271Ala (NM_001406748.1); c.300+3100C>G (NM_001199973.2); c.177+6735C>G (NM_001199974.2); short protein forms G271A, G312A.
Identifiers: ClinVar variation 4087524 (VCV004087524.2), dbSNP rs869312429.